The following is an entry in ClinVar:

ClinVar aggregate classification (germline): Uncertain significance (1 of 4 stars; one submission).

Submission:

Labcorp Genetics (formerly Invitae), Labcorp
Classification: Uncertain significance. Last evaluated: 2023-05-16. Review status: criteria provided, single submitter. Criteria: Invitae Variant Classification Sherloc (09022015). Collection method: clinical testing. Allele origin: germline.
Comment: This variant is not present in population databases (gnomAD no frequency). This sequence change replaces proline, which is neutral and non-polar, with arginine, which is basic and polar, at codon 37 of the TYR protein (p.Pro37Arg). This variant has not been reported in the literature in individuals affected with TYR-related conditions. In summary, the available evidence is currently insufficient to determine the role of this variant in disease. Therefore, it has been classified as a Variant of Uncertain Significance. Advanced modeling of protein sequence and biophysical properties (such as structural, functional, and spatial information, amino acid conservation, physicochemical variation, residue mobility, and thermodynamic stability) performed at Invitae indicates that this missense variant is expected to disrupt TYR protein function.

NM_000372.5(TYR):c.110C>G (p.Pro37Arg)

Gene: TYR (tyrosinase; plus strand). Cytogenetic location: 11q14.3.
Variant type: single nucleotide variant.
Coding change: c.110C>G on transcript NM_000372.5 (MANE Select); coding-DNA position 110, C replaced by G.
Protein change: p.Pro37Arg; replaces proline 37 with arginine.
Molecular consequence: missense variant.
Genome position (GRCh38, 1-based): chr11:89,178,063, C>G. VCF-style: chr11-89178063-C-G. GRCh37 (hg19) VCF-style: chr11-88911231-C-G.
Other names: short protein forms P37R.
Identifiers: ClinVar variation 2864954 (VCV002864954.3), dbSNP rs2496527845, ClinGen allele CA382033471.
Genomic context (GRCh38, chr11:89,178,063, plus strand): 5'-CTGGCCATTTCCCTAGAGCCTGTGTCTCCTCTAAGAACCTGATGGAGAAGGAATGCTGTC[C>G]ACCGTGGAGCGGGGACAGGAGTCCCTGTGGCCAGCTTTCAGGCAGAGGTTCCTGTCAGAA-3'
Protein context (NP_000363.1, residues 27-47): SKNLMEKECC[Pro37Arg]PWSGDRSPCG